The following is an entry in ClinVar:

NM_001267550.2(TTN):c.88029dup (p.Ile29344fs)

Genes: TTN-AS1 (TTN antisense RNA 1; plus strand), TTN (titin; minus strand). Cytogenetic location: 2q31.2.
Variant type: Duplication.
Coding change: c.88029dup on transcript NM_001267550.2 (MANE Select); coding-DNA position 88029, one base duplicated (T; older notation c.88029dupT).
Protein change: p.Ile29344fs; shifts the reading frame from isoleucine 29344.
Molecular consequence: frameshift variant.
Genome position (GRCh38, 1-based): chr2:178,557,125, A duplicated on the plus strand (T on the coding strand, the reverse complement: TTN is on the minus strand). VCF-style (leftmost placement, unchanged base first): chr2-178557124-T-TA. GRCh37 (hg19) VCF-style: chr2-179421851-T-TA.
Other names: c.83106dup, p.Ile27703fs (NM_001256850.1); c.60834dup, p.Ile20279fs (NM_003319.4); c.80325dup, p.Ile26776fs (NM_133378.4); c.61209dup, p.Ile20404fs (NM_133432.3); c.61410dup, p.Ile20471fs (NM_133437.4); short protein forms I20279fs, I20404fs, I20471fs, I26776fs, I27703fs, I29344fs.
Identifiers: ClinVar variation 3757307 (VCV003757307.2).
Genomic context (GRCh38, chr2:178,557,124, plus strand): 5'-CTCCATCGAAAGCTGGTTGTTGCCATGAAAGGCTGACAGAGTTCTTTGAAATATCAGTGA[T>TA]ACGAACATTTCTTGGGGGTTCTGTGGTAATAAGAGAAGCAGATTAGCGGCACTTATAATA-3'

ClinVar aggregate classification (germline): Likely pathogenic (1 of 4 stars; one submission).

Conditions:
Dilated cardiomyopathy 1G (CMD1G). Identifiers: Orphanet 154, MedGen C1858763, MONDO:0011400, OMIM 604145.
Autosomal recessive limb-girdle muscular dystrophy type 2J (LGMDR10). Also called: Limb-girdle muscular dystrophy, type 2J; MUSCULAR DYSTROPHY, LIMB-GIRDLE, AUTOSOMAL RECESSIVE 10. Identifiers: Orphanet 140922, MedGen C1837342, MONDO:0012127, OMIM 608807.

Submission:

Labcorp Genetics (formerly Invitae), Labcorp
Classification: Likely pathogenic for Dilated cardiomyopathy 1G; Autosomal recessive limb-girdle muscular dystrophy type 2J. Last evaluated: 2024-10-27. Review status: criteria provided, single submitter. Criteria: Invitae Variant Classification Sherloc (09022015). Collection method: clinical testing. Allele origin: germline.
Comment: This sequence change creates a premature translational stop signal (p.Ile29344Tyrfs*3) in the TTN gene. While this is not anticipated to result in nonsense mediated decay, it is expected to create a truncated TTN protein. This variant is not present in population databases (gnomAD no frequency). This variant has not been reported in the literature in individuals affected with TTN-related conditions. This variant is located in the A band of TTN (PMID: 25589632). Truncating variants in this region are significantly overrepresented in patients affected with dilated cardiomyopathy (PMID: 25589632). Truncating variants in this region have also been reported in individuals affected with autosomal recessive centronuclear myopathy (PMID: 23975875). In summary, the currently available evidence indicates that the variant is pathogenic, but additional data are needed to prove that conclusively. Therefore, this variant has been classified as Likely Pathogenic.

Literature cited by the submitters: PubMed 25589632; PubMed 23975875.